The following is an entry in ClinVar:

NM_015599.3(PGM3):c.451T>C (p.Phe151Leu)

Gene: PGM3 (phosphoglucomutase 3; minus strand). Cytogenetic location: 6q14.1.
Variant type: single nucleotide variant.
Coding change: c.451T>C on transcript NM_015599.3 (MANE Select); coding-DNA position 451, T replaced by C.
Protein change: p.Phe151Leu; replaces phenylalanine 151 with leucine.
Molecular consequence: missense variant. On other transcripts: non-coding transcript variant (1).
Genome position (GRCh38, 1-based): chr6:83,187,014, A>G on the plus strand (T>C on the coding strand, the complement: PGM3 is on the minus strand). VCF-style: chr6-83187014-A-G. GRCh37 (hg19) VCF-style: chr6-83896733-A-G.
Other names: c.535T>C, p.Phe179Leu (NM_001199917.2, NM_001367287.1); c.208T>C, p.Phe70Leu (NM_001199918.2); c.451T>C, p.Phe151Leu (NM_001199919.2, NM_001367286.1); short protein forms F179L, F70L, F151L.
Identifiers: ClinVar variation 2135396 (VCV002135396.4), dbSNP rs2538189943, ClinGen allele CA364850410.
Genomic context (GRCh38, chr6:83,187,014, plus strand): 5'-AAATTAAAGTTTTTTAAATATTAGTTTAATTTCCAACTCAGGATAACTACATACCATGGA[A>G]TTGACCTCCTAGAACAGTCACACCATCTATTACAGATTGTGAAAGTTTCTCACTGCTGGG-3'
Protein context (NP_056414.1, residues 141-161): IDGVTVLGGQ[Phe151Leu]HDYGLLTTPQ

ClinVar aggregate classification (germline): Uncertain significance (1 of 4 stars; one submission).

Conditions:
Immunodeficiency 23 (IMD23). Also called: IMMUNODEFICIENCY WITH HYPER IgE AND COGNITIVE IMPAIRMENT; IMMUNODEFICIENCY-VASCULITIS-MYOCLONUS SYNDROME. Identifiers: Orphanet 443811, MedGen C4014371, MONDO:0014353, OMIM 615816.

Allele frequency attached by ClinVar (database versions not stated): gnomAD exomes below 0.00001.
gnomAD v4.1: 1 of 1,565,090 alleles (0.000064%); highest among the groups gnomAD compares: Non-Finnish European, 0.000088%; no homozygotes.

Submission:

Labcorp Genetics (formerly Invitae), Labcorp
Classification: Uncertain significance for Immunodeficiency 23. Last evaluated: 2022-05-08. Review status: criteria provided, single submitter. Criteria: Invitae Variant Classification Sherloc (09022015). Collection method: clinical testing. Allele origin: germline.
Comment: This sequence change replaces phenylalanine, which is neutral and non-polar, with leucine, which is neutral and non-polar, at codon 179 of the PGM3 protein (p.Phe179Leu). This variant is not present in population databases (gnomAD no frequency). This variant has not been reported in the literature in individuals affected with PGM3-related conditions. Algorithms developed to predict the effect of missense changes on protein structure and function (SIFT, PolyPhen-2, Align-GVGD) all suggest that this variant is likely to be tolerated. In summary, the available evidence is currently insufficient to determine the role of this variant in disease. Therefore, it has been classified as a Variant of Uncertain Significance.